The following is an entry in ClinVar:

ClinVar aggregate classification (germline): Uncertain significance (1 of 4 stars; one submission).

Conditions:
Charcot-Marie-Tooth disease axonal type 2Z. Also called: CHARCOT-MARIE-TOOTH DISEASE, AXONAL, AUTOSOMAL DOMINANT, TYPE 2Z; CHARCOT-MARIE-TOOTH NEUROPATHY, TYPE 2Z. Identifiers: Orphanet 466768, MedGen C5569025, MONDO:0014736, OMIM 616688.

Allele frequency attached by ClinVar (database versions not stated): ExAC 0.00001; gnomAD 0.00001; TOPMed below 0.00001; gnomAD exomes 0.00001; 1000 Genomes Project 0.00020; 1000 Genomes Project 30x 0.00031.

Submission:

Labcorp Genetics (formerly Invitae), Labcorp
Classification: Uncertain significance for Charcot-Marie-Tooth disease axonal type 2Z. Last evaluated: 2025-12-03. Review status: criteria provided, single submitter. Criteria: Invitae Variant Classification Sherloc (09022015). Collection method: clinical testing. Allele origin: germline.
Comment: This sequence change replaces alanine, which is neutral and non-polar, with valine, which is neutral and non-polar, at codon 306 of the MORC2 protein (p.Ala306Val). The frequency data for this variant in the population databases is considered unreliable, as metrics indicate poor data quality at this position in the gnomAD database. This variant has not been reported in the literature in individuals affected with MORC2-related conditions. ClinVar contains an entry for this variant (Variation ID: 849572). Invitae Evidence Modeling of protein sequence and biophysical properties (such as structural, functional, and spatial information, amino acid conservation, physicochemical variation, residue mobility, and thermodynamic stability) indicates that this missense variant is expected to disrupt MORC2 protein function with a positive predictive value of 95%. In summary, the available evidence is currently insufficient to determine the role of this variant in disease. Therefore, it has been classified as a Variant of Uncertain Significance.

NM_001303256.3(MORC2):c.917C>T (p.Ala306Val)

Gene: MORC2 (MORC family CW-type zinc finger 2; minus strand). Cytogenetic location: 22q12.2.
Variant type: single nucleotide variant.
Coding change: c.917C>T on transcript NM_001303256.3 (MANE Select); coding-DNA position 917, C replaced by T.
Protein change: p.Ala306Val; replaces alanine 306 with valine.
Molecular consequence: missense variant.
Genome position (GRCh38, 1-based): chr22:30,940,029, G>A on the plus strand (C>T on the coding strand, the complement: MORC2 is on the minus strand). VCF-style: chr22-30940029-G-A. GRCh37 (hg19) VCF-style: chr22-31336016-G-A.
Other names: c.917C>T, p.Ala306Val (NM_001303257.2); c.731C>T, p.Ala244Val (NM_014941.3); short protein forms A244V, A306V.
Identifiers: ClinVar variation 849572 (VCV000849572.10), dbSNP rs554250414, ClinGen allele CA10187105.